The following is an entry in ClinVar:

ClinVar aggregate classification (germline): Uncertain significance. Review status: criteria provided, multiple submitters, no conflicts (2 of 4 stars). 2 submissions from 2 submitters: Uncertain significance (2). Last evaluated 2024-07-19.

Conditions:
Hereditary cancer-predisposing syndrome. Also called: Hereditary Cancer Syndrome; Tumor predisposition; Neoplastic Syndromes, Hereditary; Hereditary neoplastic syndrome. Identifiers: Orphanet 140162, MedGen C0027672, MeSH D009386, MONDO:0015356.
Neuroblastoma, susceptibility to, 3. Also called: ALK-Related Neuroblastic Tumor Susceptibility. Identifiers: Orphanet 635, MedGen C2751681, MONDO:0013083, OMIM 613014.

Allele frequency attached by ClinVar (database versions not stated): ExAC 0.00222.

Submissions (2):

Ambry Genetics
Classification: Uncertain significance for Hereditary cancer-predisposing syndrome. Last evaluated: 2024-07-19. Review status: criteria provided, single submitter. Criteria: Ambry Variant Classification Scheme 2023. Collection method: clinical testing. Allele origin: germline.
Comment: The p.T1026P variant (also known as c.3076A>C), located in coding exon 19 of the ALK gene, results from an A to C substitution at nucleotide position 3076. The threonine at codon 1026 is replaced by proline, an amino acid with highly similar properties. This amino acid position is well conserved in available vertebrate species. In addition, this alteration is predicted to be tolerated by in silico analysis. Based on the available evidence, the clinical significance of this variant remains unclear.

Labcorp Genetics (formerly Invitae), Labcorp
Classification: Uncertain significance for Neuroblastoma, susceptibility to, 3. Last evaluated: 2020-12-31. Review status: criteria provided, single submitter. Criteria: Invitae Variant Classification Sherloc (09022015). Collection method: clinical testing. Allele origin: germline.
Comment: In summary, the available evidence is currently insufficient to determine the role of this variant in disease. Therefore, it has been classified as a Variant of Uncertain Significance. Algorithms developed to predict the effect of missense changes on protein structure and function (SIFT, PolyPhen-2, Align-GVGD) all suggest that this variant is likely to be tolerated, but these predictions have not been confirmed by published functional studies and their clinical significance is uncertain. This variant has not been reported in the literature in individuals with ALK-related conditions. The frequency data for this variant in the population databases is considered unreliable, as metrics indicate poor data quality at this position in the ExAC database. This sequence change replaces threonine with proline at codon 1026 of the ALK protein (p.Thr1026Pro). The threonine residue is highly conserved and there is a small physicochemical difference between threonine and proline.

NM_004304.5(ALK):c.3076A>C (p.Thr1026Pro)

Gene: ALK (ALK receptor tyrosine kinase; minus strand). Cytogenetic location: 2p23.2.
Variant type: single nucleotide variant.
Coding change: c.3076A>C on transcript NM_004304.5 (MANE Select); coding-DNA position 3076, A replaced by C.
Protein change: p.Thr1026Pro; replaces threonine 1026 with proline.
Molecular consequence: missense variant.
Genome position (GRCh38, 1-based): chr2:29,225,557, T>G on the plus strand (A>C on the coding strand, the complement: ALK is on the minus strand). VCF-style: chr2-29225557-T-G. GRCh37 (hg19) VCF-style: chr2-29448423-T-G.
Other names: short protein forms T1026P.
Identifiers: ClinVar variation 648437 (VCV000648437.9), dbSNP rs781515382, ClinGen allele CA1594087.